The following is an entry in ClinVar:

ClinVar aggregate classification (germline): Uncertain significance (1 of 4 stars; one submission).

Conditions:
Hereditary diffuse gastric adenocarcinoma (HDGC). Also called: DIFFUSE GASTRIC AND LOBULAR BREAST CANCER SYNDROME. Identifiers: Orphanet 26106, MedGen C1708349, MONDO:0007648, OMIM 137215.

Submission:

Labcorp Genetics (formerly Invitae), Labcorp
Classification: Uncertain significance for Hereditary diffuse gastric adenocarcinoma. Last evaluated: 2021-02-18. Review status: criteria provided, single submitter. Criteria: Invitae Variant Classification Sherloc (09022015). Collection method: clinical testing. Allele origin: germline.
Comment: In summary, the available evidence is currently insufficient to determine the role of this variant in disease. Therefore, it has been classified as a Variant of Uncertain Significance. Algorithms developed to predict the effect of sequence changes on RNA splicing suggest that this variant may disrupt the consensus splice site, but this prediction has not been confirmed by published transcriptional studies. This variant has not been reported in the literature in individuals with CDH1-related conditions. This variant is not present in population databases (ExAC no frequency). This sequence change falls in intron 10 of the CDH1 gene. It does not directly change the encoded amino acid sequence of the CDH1 protein.

NM_004360.5(CDH1):c.1566-9C>G

Gene: CDH1 (cadherin 1; plus strand). Cytogenetic location: 16q22.1.
Variant type: single nucleotide variant.
Coding change: c.1566-9C>G on transcript NM_004360.5 (MANE Select); 9 bases into the intron before coding-DNA position 1566, C replaced by G.
Molecular consequence: intron variant.
Genome position (GRCh38, 1-based): chr16:68,819,271, C>G. VCF-style: chr16-68819271-C-G. GRCh37 (hg19) VCF-style: chr16-68853174-C-G.
Other names: c.18-9C>G (NM_001317185.2); c.-254-2730C>G (NM_001317186.2); c.1383-9C>G (NM_001317184.2).
Identifiers: ClinVar variation 1443205 (VCV001443205.8), dbSNP rs1555516509, ClinGen allele CA2573152594.